The following is an entry in ClinVar:

ClinVar aggregate classification (germline): Likely benign. Review status: criteria provided, multiple submitters, no conflicts (2 of 4 stars). 2 submissions from 2 submitters: Likely benign (2). Last evaluated 2026-01-24.

gnomAD v4.1: 7 of 1,610,928 alleles (0.00043%); highest among the groups gnomAD compares: African/African-American, 0.004%; no homozygotes.

Submissions (2):

Labcorp Genetics (formerly Invitae), Labcorp
Classification: Likely benign. Last evaluated: 2026-01-24. Review status: criteria provided, single submitter. Criteria: Invitae Variant Classification Sherloc (09022015). Collection method: clinical testing. Allele origin: germline.

GeneDx
Classification: Likely benign. Last evaluated: 2018-03-19. Review status: criteria provided, single submitter. Criteria: GeneDx Variant Classification (06012015). Collection method: clinical testing. Allele origin: germline. Affected: yes.
Comment: This variant is considered likely benign or benign based on one or more of the following criteria: it is a conservative change, it occurs at a poorly conserved position in the protein, it is predicted to be benign by multiple in silico algorithms, and/or has population frequency not consistent with disease.

NM_194248.3(OTOF):c.2580C>T (p.Val860=)

Gene: OTOF (otoferlin; minus strand). Cytogenetic location: 2p23.3.
Variant type: single nucleotide variant.
Coding change: c.2580C>T on transcript NM_194248.3 (MANE Select); coding-DNA position 2580, C replaced by T.
Protein change: p.Val860=; no amino-acid change (valine 860 retained).
Molecular consequence: synonymous variant.
Genome position (GRCh38, 1-based): chr2:26,476,987, G>A on the plus strand (C>T on the coding strand, the complement: OTOF is on the minus strand). VCF-style: chr2-26476987-G-A. GRCh37 (hg19) VCF-style: chr2-26699855-G-A.
Other names: c.2580C>T, p.Val860= (NM_001287489.2); c.339C>T, p.Val113= (NM_004802.4, NM_194323.3); c.510C>T, p.Val170= (NM_194322.3).
Identifiers: ClinVar variation 683464 (VCV000683464.4), dbSNP rs2272069, ClinGen allele CA1563844.
Genomic context (GRCh38, chr2:26,476,987, plus strand): 5'-GCCAGTCTCCTCCTCCACGATGGAGAAGAGCAGGTCCTTGGAGGGCACACGGGCATAGGC[G>A]ACACGCTTGTTGTTGCTCATCATCCAGATGAAGATGTCGGGAATGCTGTGCTGGGGCTGG-3'
Protein context (NP_919224.1, residues 850-870): FIWMMSNNKR[Val860=]AYARVPSKDL